The following is an entry in ClinVar:

NM_001374736.1(DST):c.18435G>A (p.Arg6145=)

Gene: DST (dystonin; minus strand). Cytogenetic location: 6p12.1.
Variant type: single nucleotide variant.
Coding change: c.18435G>A on transcript NM_001374736.1 (MANE Select); coding-DNA position 18435, G replaced by A.
Protein change: p.Arg6145=; no amino-acid change (arginine 6145 retained).
Molecular consequence: synonymous variant.
Genome position (GRCh38, 1-based): chr6:56,515,591, C>T on the plus strand (G>A on the coding strand, the complement: DST is on the minus strand). VCF-style: chr6-56515591-C-T. GRCh37 (hg19) VCF-style: chr6-56380389-C-T.
Other names: c.12078G>A, p.Arg4026= (NM_001144769.5); c.11664G>A, p.Arg3888= (NM_001144770.2); c.18435G>A, p.Arg6145= (NM_001374722.1); c.17475G>A, p.Arg5825= (NM_001374729.1); c.11217G>A, p.Arg3739= (NM_001374730.1); c.18462G>A, p.Arg6154= (NM_001374734.1); c.11544G>A, p.Arg3848= (NM_001386100.1, NM_183380.4); c.10566G>A, p.Arg3522= (NM_015548.5).
Identifiers: ClinVar variation 2006021 (VCV002006021.4), dbSNP rs2534469318, ClinGen allele CA450481189.

ClinVar aggregate classification (germline): Uncertain significance (1 of 4 stars; one submission).

Conditions:
Hereditary sensory and autonomic neuropathy type 6. Also called: HSAN VI; Neuropathy, hereditary sensory and autonomic, type VI. Identifiers: Orphanet 314381, MedGen C3539003, MONDO:0013839, OMIM 614653.
Epidermolysis bullosa simplex 3, localized or generalized intermediate, with BP230 deficiency (EBS3). Also called: Epidermolysis bullosa simplex due to BP230 deficiency; Epidermolysis bullosa simplex, autosomal recessive 2. Identifiers: Orphanet 412181, MedGen C3809470, MONDO:0014180, OMIM 615425.

Allele frequency attached by ClinVar (database versions not stated): gnomAD exomes below 0.00001.
gnomAD v4.1: 1 of 1,613,802 alleles (0.000062%); highest among the groups gnomAD compares: Non-Finnish European, 0.000085%; no homozygotes.

Submission:

Labcorp Genetics (formerly Invitae), Labcorp
Classification: Uncertain significance for Epidermolysis bullosa simplex 3, localized or generalized intermediate, with BP230 deficiency; Hereditary sensory and autonomic neuropathy type 6. Last evaluated: 2022-06-14. Review status: criteria provided, single submitter. Criteria: Invitae Variant Classification Sherloc (09022015). Collection method: clinical testing. Allele origin: germline.
Comment: The DST gene has multiple clinically relevant transcripts. This variant occurs in alternate transcript NM_015548.4, and corresponds to NM_001723.5:c.*99926G>A in the primary transcript. This sequence change affects codon 3522 of the DST mRNA. It is a 'silent' change, meaning that it does not change the encoded amino acid sequence of the DST protein. This variant is not present in population databases (gnomAD no frequency). This variant has not been reported in the literature in individuals affected with DST-related conditions. Experimental studies and prediction algorithms are not available or were not evaluated, and the effect of this variant on mRNA splicing is currently unknown. In summary, the available evidence is currently insufficient to determine the role of this variant in disease. Therefore, it has been classified as a Variant of Uncertain Significance.